The following is an entry in ClinVar:

NM_003072.5(SMARCA4):c.927C>T (p.Gly309=)

Gene: SMARCA4 (SWI/SNF related BAF chromatin remodeling complex subunit ATPase 4; plus strand). Cytogenetic location: 19p13.2.
Variant type: single nucleotide variant.
Coding change: c.927C>T on transcript NM_003072.5 (MANE Select); coding-DNA position 927, C replaced by T.
Protein change: p.Gly309=; no amino-acid change (glycine 309 retained).
Molecular consequence: synonymous variant. On other transcripts: non-coding transcript variant (1).
Genome position (GRCh38, 1-based): chr19:10,987,733, C>T. VCF-style: chr19-10987733-C-T. GRCh37 (hg19) VCF-style: chr19-11098409-C-T.
Other names: c.927C>T, p.Gly309= (NM_001128844.3, NM_001128845.2, NM_001128846.2 and 5 more transcripts).
Identifiers: ClinVar variation 480682 (VCV000480682.18), dbSNP rs1345596891, ClinGen allele CA505489647.

ClinVar aggregate classification (germline): Benign/Likely benign. Review status: criteria provided, multiple submitters, no conflicts (2 of 4 stars). 4 submissions from 4 submitters: Benign (1); Likely benign (3). Last evaluated 2026-07-09.

Conditions:
Hereditary cancer-predisposing syndrome. Also called: Tumor predisposition; Neoplastic Syndromes, Hereditary; Hereditary Cancer Syndrome; Hereditary neoplastic syndrome. Identifiers: Orphanet 140162, MedGen C0027672, MeSH D009386, MONDO:0015356.
Rhabdoid tumor predisposition syndrome 2 (RTPS2). Identifiers: Orphanet 231108, Orphanet 69077, MedGen C2750074, MONDO:0013224, OMIM 613325.

Allele frequency attached by ClinVar (database versions not stated): gnomAD exomes below 0.00001.
gnomAD v4.1: 2 of 1,605,488 alleles (0.00012%); highest among the groups gnomAD compares: Non-Finnish European, 0.00017%; no homozygotes.

Submissions (4):

Myriad Genetics, Inc.
Classification: Benign for Rhabdoid tumor predisposition syndrome 2. Last evaluated: 2026-07-09. Review status: criteria provided, single submitter. Criteria: Myriad Autosomal Dominant, Autosomal Recessive and X-Linked Classification Criteria (2023). Collection method: clinical testing. Allele origin: unknown.
Comment: This variant is considered benign. This variant is a silent/synonymous amino acid change and it is not expected to impact splicing.

Labcorp Genetics (formerly Invitae), Labcorp
Classification: Likely benign for Rhabdoid tumor predisposition syndrome 2. Last evaluated: 2025-08-09. Review status: criteria provided, single submitter. Criteria: Invitae Variant Classification Sherloc (09022015). Collection method: clinical testing. Allele origin: germline.

Sema4
Classification: Likely benign for Hereditary cancer-predisposing syndrome. Last evaluated: 2021-03-20. Review status: criteria provided, single submitter. Criteria: Sema4 Curation Guidelines. Collection method: curation. Allele origin: germline.

Ambry Genetics
Classification: Likely benign for Hereditary cancer-predisposing syndrome. Last evaluated: 2017-06-09. Review status: criteria provided, single submitter. Criteria: Ambry Variant Classification Scheme 2023. Collection method: clinical testing. Allele origin: germline.